The following is an entry in ClinVar:

NM_019074.4(DLL4):c.764C>A (p.Pro255His)

Gene: DLL4 (delta like canonical Notch ligand 4; plus strand). Cytogenetic location: 15q15.1.
Variant type: single nucleotide variant.
Coding change: c.764C>A on transcript NM_019074.4 (MANE Select); coding-DNA position 764, C replaced by A.
Protein change: p.Pro255His; replaces proline 255 with histidine.
Molecular consequence: missense variant.
Genome position (GRCh38, 1-based): chr15:40,932,361, C>A. VCF-style: chr15-40932361-C-A. GRCh37 (hg19) VCF-style: chr15-41224559-C-A.
Other names: short protein forms P255H.
Identifiers: ClinVar variation 4086737 (VCV004086737.1).
Genomic context (GRCh38, chr15:40,932,361, plus strand): 5'-CTCTCTTGTTCCCCAGCTGCCGCCCAGGCTGGCAGGGCCGGCTGTGTAACGAATGCATCC[C>A]CCACAATGGCTGTCGCCACGGCACCTGCAGCACTCCCTGGCAATGTACTTGTGATGAGGG-3'
Protein context (NP_061947.1, residues 245-265): WQGRLCNECI[Pro255His]HNGCRHGTCS

ClinVar aggregate classification (germline): Uncertain significance (1 of 4 stars; one submission).

Submission:

GeneDx
Classification: Uncertain significance. Last evaluated: 2025-03-17. Review status: criteria provided, single submitter. Criteria: GeneDx Variant Classification Process June 2021. Collection method: clinical testing. Allele origin: germline. Affected: yes.
Comment: Not observed at significant frequency in large population cohorts (gnomAD); In silico analysis indicates that this missense variant does not alter protein structure/function; Has not been previously published as pathogenic or benign to our knowledge